The following is an entry in ClinVar:

ClinVar aggregate classification (germline): Uncertain significance. Review status: criteria provided, multiple submitters, no conflicts (2 of 4 stars). 2 submissions from 2 submitters: Uncertain significance (2). Last evaluated 2024-01-23.

Submissions (2):

Blueprint Genetics
Classification: Uncertain significance. Last evaluated: 2024-01-23. Review status: criteria provided, single submitter. Criteria: ACMG Guidelines, 2015. Collection method: clinical testing. Allele origin: germline.

Labcorp Genetics (formerly Invitae), Labcorp
Classification: Uncertain significance. Last evaluated: 2022-09-06. Review status: criteria provided, single submitter. Criteria: Invitae Variant Classification Sherloc (09022015). Collection method: clinical testing. Allele origin: germline.
Comment: In summary, the available evidence is currently insufficient to determine the role of this variant in disease. Therefore, it has been classified as a Variant of Uncertain Significance. Variants that disrupt the consensus splice site are a relatively common cause of aberrant splicing (PMID: 17576681, 9536098). Algorithms developed to predict the effect of sequence changes on RNA splicing suggest that this variant may disrupt the consensus splice site. This variant has not been reported in the literature in individuals affected with CACNA1F-related conditions. This variant is present in population databases (rs782112274, gnomAD 0.03%). This sequence change affects a splice site in intron 47 of the CACNA1F gene. While this variant is not anticipated to result in nonsense mediated decay, it likely alters RNA splicing and results in a disrupted protein product.

Literature cited by the submitters: PubMed 17576681 (cited by Labcorp Genetics (formerly Invitae), Labcorp); PubMed 9536098 (cited by Labcorp Genetics (formerly Invitae), Labcorp).

NM_001256789.3(CACNA1F):c.5670+2_5670+3del

Gene: CACNA1F (calcium voltage-gated channel subunit alpha1 F; minus strand). Cytogenetic location: Xp11.23.
Variant type: Microsatellite.
Coding change: c.5670+2_5670+3del on transcript NM_001256789.3 (MANE Select); the canonical splice donor site of the intron after coding-DNA position 5670 through 3 bases into the intron after coding-DNA position 5670, 2 bases deleted (TG; older notation c.5670+2_5670+3delTG).
Molecular consequence: splice donor variant.
Genome position (GRCh38, 1-based): chrX:49,205,613-49,205,614, CA deleted on the plus strand (TG on the coding strand, the reverse complement: CACNA1F is on the minus strand); deleting any 2 consecutive bases within chrX:49,205,613-49,205,616 gives the same sequence; the c. name uses the placement nearest the transcript's 3' end. VCF-style (leftmost placement, unchanged base first): chrX-49205612-TCA-T. GRCh37 (hg19) VCF-style: chrX-49062072-TCA-T.
Other names: c.5703+2_5703+3del (NM_005183.4); c.5508+2_5508+3del (NM_001256790.3).
Identifiers: ClinVar variation 1986328 (VCV001986328.5), dbSNP rs782112274, ClinGen allele CA10409931.